The following is an entry in ClinVar:

NM_001693.4(ATP6V1B2):c.1330C>G (p.Leu444Val)

Gene: ATP6V1B2 (ATPase H+ transporting V1 subunit B2; plus strand). Cytogenetic location: 8p21.3.
Variant type: single nucleotide variant.
Coding change: c.1330C>G on transcript NM_001693.4 (MANE Select); coding-DNA position 1330, C replaced by G.
Protein change: p.Leu444Val; replaces leucine 444 with valine.
Molecular consequence: missense variant.
Genome position (GRCh38, 1-based): chr8:20,218,216, C>G. VCF-style: chr8-20218216-C-G. GRCh37 (hg19) VCF-style: chr8-20075727-C-G.
Other names: short protein forms L444V.
Identifiers: ClinVar variation 4881447 (VCV004881447.2).

ClinVar aggregate classification (germline): Uncertain significance (1 of 4 stars; one submission).

Conditions:
Zimmermann-Laband syndrome 2 (ZLS2). Identifiers: Orphanet 3473, MedGen C4225321, MONDO:0014646, OMIM 616455.

Submission:

Dasa
Classification: Uncertain significance for Zimmermann-Laband syndrome 2. Last evaluated: 2026-01-14. Review status: criteria provided, single submitter. Criteria: DASA Assertion Criteria. Collection method: clinical testing. Allele origin: germline.
Comment: NM_001693.4(ATP6V1B2):c.1330C>G (p.Leu444Val) is a missense variant that results in the substitution of leucine with valine. This variant is absent from population databases. Computational prediction algorithms are consistent with a deleterious effect. The currently available literature and clinical evidence are not sufficient to establish a definitive association between this variant and the reported condition. Therefore, this variant is classified as a variant of uncertain significance.